The following is an entry in ClinVar:

NM_000548.5(TSC2):c.1952C>T (p.Pro651Leu)

Gene: TSC2 (TSC complex subunit 2; plus strand). Cytogenetic location: 16p13.3.
Variant type: single nucleotide variant.
Coding change: c.1952C>T on transcript NM_000548.5 (MANE Select); coding-DNA position 1952, C replaced by T.
Protein change: p.Pro651Leu; replaces proline 651 with leucine.
Molecular consequence: missense variant.
Genome position (GRCh38, 1-based): chr16:2,071,789, C>T. VCF-style: chr16-2071789-C-T. GRCh37 (hg19) VCF-style: chr16-2121790-C-T.
Other names: c.1952C>T, p.Pro651Leu (NM_001077183.3, NM_001114382.3, NM_001363528.2 and 3 more transcripts); c.1841C>T, p.Pro614Leu (NM_001318827.2); c.1805C>T, p.Pro602Leu (NM_001318829.2); c.1352C>T, p.Pro451Leu (NM_001318831.2); c.1985C>T, p.Pro662Leu (NM_001318832.2); short protein forms P614L, P451L, P602L, P651L, P662L.
Identifiers: ClinVar variation 659700 (VCV000659700.11), dbSNP rs1300730043, ClinGen allele CA394273577.

ClinVar aggregate classification (germline): Uncertain significance. Review status: criteria provided, multiple submitters, no conflicts (2 of 4 stars). 4 submissions from 4 submitters: Uncertain significance (4). Last evaluated 2025-09-30.

Conditions:
Tuberous sclerosis syndrome (TSC). Also called: Tuberous Sclerosis Complex; Tuberous sclerosis. Identifiers: Orphanet 805, MedGen C0041341, MONDO:0001734.
Hereditary cancer-predisposing syndrome. Also called: Hereditary Cancer Syndrome; Hereditary neoplastic syndrome; Tumor predisposition; Neoplastic Syndromes, Hereditary. Identifiers: Orphanet 140162, MedGen C0027672, MeSH D009386, MONDO:0015356.
Tuberous sclerosis 2 (TSC2). Identifiers: Orphanet 805, MedGen C1860707, MONDO:0013199, OMIM 613254.

Allele frequency attached by ClinVar (database versions not stated): gnomAD exomes below 0.00001; TOPMed below 0.00001; gnomAD 0.00001.
gnomAD v4.1: 4 of 1,604,392 alleles (0.00025%); highest among the groups gnomAD compares: Middle Eastern, 0.016%; no homozygotes.

Submissions (4):

Labcorp Genetics (formerly Invitae), Labcorp
Classification: Uncertain significance for Tuberous sclerosis 2. Last evaluated: 2025-09-30. Review status: criteria provided, single submitter. Criteria: Invitae Variant Classification Sherloc (09022015). Collection method: clinical testing. Allele origin: germline.
Comment: This sequence change replaces proline, which is neutral and non-polar, with leucine, which is neutral and non-polar, at codon 651 of the TSC2 protein (p.Pro651Leu). This variant is not present in population databases (gnomAD no frequency). This variant has not been reported in the literature in individuals affected with TSC2-related conditions. ClinVar contains an entry for this variant (Variation ID: 659700). Invitae Evidence Modeling of protein sequence and biophysical properties (such as structural, functional, and spatial information, amino acid conservation, physicochemical variation, residue mobility, and thermodynamic stability) indicates that this missense variant is not expected to disrupt TSC2 protein function with a negative predictive value of 95%. In summary, the available evidence is currently insufficient to determine the role of this variant in disease. Therefore, it has been classified as a Variant of Uncertain Significance.

Color Diagnostics, LLC DBA Color Health
Classification: Uncertain significance for Tuberous sclerosis syndrome. Last evaluated: 2025-09-23. Review status: criteria provided, single submitter. Criteria: ACMG Guidelines, 2015. Collection method: clinical testing. Allele origin: germline.
Comment: This missense variant replaces proline with leucine at codon 651 of the TSC2 protein. Computational prediction suggests that this variant may not impact protein structure and function. To our knowledge, functional studies have not been reported for this variant. This variant has not been reported in individuals affected with TSC2-related disorders in the literature. This variant has not been identified in the general population by the Genome Aggregation Database (gnomAD). The available evidence is insufficient to determine the role of this variant in disease conclusively. Therefore, this variant is classified as a Variant of Uncertain Significance.

Ambry Genetics
Classification: Uncertain significance for Hereditary cancer-predisposing syndrome. Last evaluated: 2025-07-25. Review status: criteria provided, single submitter. Criteria: Ambry Variant Classification Scheme 2023. Collection method: clinical testing. Allele origin: germline.
Comment: The p.P651L variant (also known as c.1952C>T), located in coding exon 18 of the TSC2 gene, results from a C to T substitution at nucleotide position 1952. The proline at codon 651 is replaced by leucine, an amino acid with similar properties. This amino acid position is not well conserved in available vertebrate species, and leucine is the reference amino acid in other vertebrate species. In addition, this alteration is predicted to be tolerated by in silico analysis. Since supporting evidence is limited at this time, the clinical significance of this alteration remains unclear.

GeneDx
Classification: Uncertain significance. Last evaluated: 2024-05-20. Review status: criteria provided, single submitter. Criteria: GeneDx Variant Classification Process June 2021. Collection method: clinical testing. Allele origin: germline.
Comment: Not observed at significant frequency in large population cohorts (gnomAD); In silico analysis supports that this missense variant has a deleterious effect on protein structure/function; Observed in an individual with glucagonoma (PMID: 35498123); This variant is associated with the following publications: (PMID: 35498123)